The following is an entry in ClinVar:

NM_000435.3(NOTCH3):c.2411-5C>T

Gene: NOTCH3 (notch receptor 3; minus strand). Cytogenetic location: 19p13.12.
Variant type: single nucleotide variant.
Coding change: c.2411-5C>T on transcript NM_000435.3 (MANE Select); 5 bases into the intron before coding-DNA position 2411, C replaced by T.
Molecular consequence: intron variant.
Genome position (GRCh38, 1-based): chr19:15,184,455, G>A on the plus strand (C>T on the coding strand, the complement: NOTCH3 is on the minus strand). VCF-style: chr19-15184455-G-A. GRCh37 (hg19) VCF-style: chr19-15295266-G-A.
Identifiers: ClinVar variation 3036573 (VCV003036573.3), dbSNP rs374742121, ClinGen allele CA305772475.

ClinVar aggregate classification (germline): Likely benign. Review status: criteria provided, single submitter (1 of 4 stars). 2 submissions from 2 submitters: Likely benign (1). 1 of the submissions does not count toward it. Last evaluated 2025-12-16.

Conditions:
NOTCH3-related disorder. Also called: NOTCH3-related condition; NOTCH3-related disorders.

Allele frequency attached by ClinVar (database versions not stated): gnomAD exomes below 0.00001.

Submissions (2):

Labcorp Genetics (formerly Invitae), Labcorp
Classification: Likely benign. Last evaluated: 2025-12-16. Review status: criteria provided, single submitter. Criteria: Invitae Variant Classification Sherloc (09022015). Collection method: clinical testing. Allele origin: germline.

PreventionGenetics, part of Exact Sciences
Classification: Likely benign for NOTCH3-related condition. Last evaluated: 2022-08-01. Review status: no assertion criteria provided. Collection method: clinical testing. Allele origin: germline. Not counted in ClinVar's aggregate classification.
Comment: This variant is classified as likely benign based on ACMG/AMP sequence variant interpretation guidelines (Richards et al. 2015 PMID: 25741868, with internal and published modifications).